The following is an entry in ClinVar:

NM_033109.5(PNPT1):c.1074-200C>T

Gene: PNPT1 (polyribonucleotide nucleotidyltransferase 1; minus strand). Cytogenetic location: 2p16.1.
Variant type: single nucleotide variant.
Coding change: c.1074-200C>T on transcript NM_033109.5 (MANE Select); 200 bases into the intron before coding-DNA position 1074, C replaced by T.
Molecular consequence: intron variant.
Genome position (GRCh38, 1-based): chr2:55,667,293, G>A on the plus strand (C>T on the coding strand, the complement: PNPT1 is on the minus strand). VCF-style: chr2-55667293-G-A. GRCh37 (hg19) VCF-style: chr2-55894428-G-A.
Identifiers: ClinVar variation 683568 (VCV000683568.1), dbSNP rs12329050, ClinGen allele CA11115932.

ClinVar aggregate classification (germline): Benign (1 of 4 stars; one submission).

Allele frequency attached by ClinVar (database versions not stated): gnomAD 0.45270 and 0.45616; TOPMed 0.46395; 1000 Genomes Project 0.47085; 1000 Genomes Project 30x 0.47986.
gnomAD v4.1: 68,709 of 151,906 alleles (45%); highest among the groups gnomAD compares: African/African-American, 62%; 16,441 homozygotes.

Submission:

GeneDx
Classification: Benign. Last evaluated: 2018-06-14. Review status: criteria provided, single submitter. Criteria: GeneDx Variant Classification (06012015). Collection method: clinical testing. Allele origin: germline. Affected: yes.
Comment: This variant is considered likely benign or benign based on one or more of the following criteria: it is a conservative change, it occurs at a poorly conserved position in the protein, it is predicted to be benign by multiple in silico algorithms, and/or has population frequency not consistent with disease.